The following is an entry in ClinVar:

ClinVar aggregate classification (germline): Uncertain significance (1 of 4 stars; one submission).

Conditions:
Pyogenic arthritis-pyoderma gangrenosum-acne syndrome (PAPA). Also called: PAPA SYNDROME; FAMILIAL RECURRENT ARTHRITIS. Identifiers: Orphanet 69126, MedGen C1858361, MONDO:0011462, OMIM 604416.

Submission:

Labcorp Genetics (formerly Invitae), Labcorp
Classification: Uncertain significance for Pyogenic arthritis-pyoderma gangrenosum-acne syndrome. Last evaluated: 2024-10-16. Review status: criteria provided, single submitter. Criteria: Invitae Variant Classification Sherloc (09022015). Collection method: clinical testing. Allele origin: germline.
Comment: This sequence change replaces leucine, which is neutral and non-polar, with valine, which is neutral and non-polar, at codon 43 of the PSTPIP1 protein (p.Leu43Val). This variant is not present in population databases (gnomAD no frequency). This variant has not been reported in the literature in individuals affected with PSTPIP1-related conditions. ClinVar contains an entry for this variant (Variation ID: 1505863). Invitae Evidence Modeling of protein sequence and biophysical properties (such as structural, functional, and spatial information, amino acid conservation, physicochemical variation, residue mobility, and thermodynamic stability) indicates that this missense variant is not expected to disrupt PSTPIP1 protein function with a negative predictive value of 80%. In summary, the available evidence is currently insufficient to determine the role of this variant in disease. Therefore, it has been classified as a Variant of Uncertain Significance.

NM_003978.5(PSTPIP1):c.127C>G (p.Leu43Val)

Gene: PSTPIP1 (proline-serine-threonine phosphatase interacting protein 1; plus strand). Cytogenetic location: 15q24.3.
Variant type: single nucleotide variant.
Coding change: c.127C>G on transcript NM_003978.5 (MANE Select); coding-DNA position 127, C replaced by G.
Protein change: p.Leu43Val; replaces leucine 43 with valine.
Molecular consequence: missense variant. On other transcripts: non-coding transcript variant (1).
Genome position (GRCh38, 1-based): chr15:77,018,238, C>G. VCF-style: chr15-77018238-C-G. GRCh37 (hg19) VCF-style: chr15-77310579-C-G.
Other names: c.127C>G, p.Leu43Val (NM_001321135.2); c.100C>G, p.Leu34Val (NM_001321136.2); c.322C>G, p.Leu108Val (NM_001321137.1); short protein forms L34V, L108V, L43V.
Identifiers: ClinVar variation 1505863 (VCV001505863.8), dbSNP rs2152678787, ClinGen allele CA393518328.
Genomic context (GRCh38, chr15:77,018,238, plus strand): 5'-GAGGTGCTGCTGCAGCGGCTTCTGGATGGCAGGAAGATGTGCAAAGACATGGAGGAGCTA[C>G]TGAGGCAGAGGTGAGCTGCTGGGCAGGCCATGGGGAGCGCAGGCAGGAAGCAGGTGGCTT-3'
Protein context (NP_003969.2, residues 33-53): RKMCKDMEEL[Leu43Val]RQRAQAEERY